The following is an entry in ClinVar:

NM_001282531.3(ADNP):c.533A>T (p.Glu178Val)

Gene: ADNP (activity dependent neuroprotector homeobox; minus strand). Cytogenetic location: 20q13.13.
Variant type: single nucleotide variant.
Coding change: c.533A>T on transcript NM_001282531.3 (MANE Select); coding-DNA position 533, A replaced by T.
Protein change: p.Glu178Val; replaces glutamic acid 178 with valine.
Molecular consequence: missense variant.
Genome position (GRCh38, 1-based): chr20:50,894,181, T>A on the plus strand (A>T on the coding strand, the complement: ADNP is on the minus strand). VCF-style: chr20-50894181-T-A. GRCh37 (hg19) VCF-style: chr20-49510718-T-A.
Other names: c.533A>T, p.Glu178Val (NM_001282532.2, NM_001347511.2, NM_015339.5 and 1 more transcripts); short protein forms E178V.
Identifiers: ClinVar variation 3652436 (VCV003652436.2).

ClinVar aggregate classification (germline): Uncertain significance (1 of 4 stars; one submission).

Submission:

Labcorp Genetics (formerly Invitae), Labcorp
Classification: Uncertain significance. Last evaluated: 2024-05-27. Review status: criteria provided, single submitter. Criteria: Invitae Variant Classification Sherloc (09022015). Collection method: clinical testing. Allele origin: germline.
Comment: This sequence change replaces glutamic acid, which is acidic and polar, with valine, which is neutral and non-polar, at codon 178 of the ADNP protein (p.Glu178Val). This variant is not present in population databases (gnomAD no frequency). This variant has not been reported in the literature in individuals affected with ADNP-related conditions. An algorithm developed to predict the effect of missense changes on protein structure and function (PolyPhen-2) suggests that this variant is likely to be disruptive. In summary, the available evidence is currently insufficient to determine the role of this variant in disease. Therefore, it has been classified as a Variant of Uncertain Significance.